The following is an entry in ClinVar:

ClinVar aggregate classification (germline): Uncertain significance (1 of 4 stars; one submission).

Conditions:
Developmental and epileptic encephalopathy 94 (DEE94). Also called: Epileptic encephalopathy, childhood-onset; CHD2-Related Neurodevelopmental Disorders. Identifiers: Orphanet 1942, Orphanet 2382, MedGen C3809278, MONDO:0014150, OMIM 615369.

Allele frequency attached by ClinVar (database versions not stated): ExAC 0.00001; gnomAD 0.00002; TOPMed 0.00002; gnomAD exomes 0.00003.
gnomAD v4.1: 40 of 1,584,764 alleles (0.0025%); highest among the groups gnomAD compares: Non-Finnish European, 0.0032%; no homozygotes.

Submission:

Labcorp Genetics (formerly Invitae), Labcorp
Classification: Uncertain significance for Developmental and epileptic encephalopathy 94. Last evaluated: 2024-01-31. Review status: criteria provided, single submitter. Criteria: Invitae Variant Classification Sherloc (09022015). Collection method: clinical testing. Allele origin: germline.
Comment: This sequence change replaces leucine, which is neutral and non-polar, with methionine, which is neutral and non-polar, at codon 393 of the CHD2 protein (p.Leu393Met). This variant is present in population databases (rs755565645, gnomAD 0.005%). This variant has not been reported in the literature in individuals affected with CHD2-related conditions. ClinVar contains an entry for this variant (Variation ID: 2045259). Advanced modeling of protein sequence and biophysical properties (such as structural, functional, and spatial information, amino acid conservation, physicochemical variation, residue mobility, and thermodynamic stability) performed at Invitae indicates that this missense variant is not expected to disrupt CHD2 protein function with a negative predictive value of 95%. In summary, the available evidence is currently insufficient to determine the role of this variant in disease. Therefore, it has been classified as a Variant of Uncertain Significance.

NM_001271.4(CHD2):c.1177T>A (p.Leu393Met)

Gene: CHD2 (chromodomain helicase DNA binding protein 2; plus strand). Cytogenetic location: 15q26.1.
Variant type: single nucleotide variant.
Coding change: c.1177T>A on transcript NM_001271.4 (MANE Select); coding-DNA position 1177, T replaced by A.
Protein change: p.Leu393Met; replaces leucine 393 with methionine.
Molecular consequence: missense variant.
Genome position (GRCh38, 1-based): chr15:92,945,844, T>A. VCF-style: chr15-92945844-T-A. GRCh37 (hg19) VCF-style: chr15-93489074-T-A.
Other names: c.1177T>A, p.Leu393Met (NM_001042572.3); short protein forms L393M.
Identifiers: ClinVar variation 2045259 (VCV002045259.4), dbSNP rs755565645, ClinGen allele CA7747734.